The following is an entry in ClinVar:

ClinVar aggregate classification (germline): Pathogenic (1 of 4 stars; one submission).

Submission:

GeneDx
Classification: Pathogenic. Last evaluated: 2017-08-14. Review status: criteria provided, single submitter. Criteria: GeneDx Variant Classification (06012015). Collection method: clinical testing. Allele origin: germline. Affected: yes.
Comment: The c.593delG pathogenic variant in the EDA gene causes a frameshift starting with codon Glycine 198, changes this amino acid to an Aspartic acid residue and creates a premature Stop codon at position 82 of the new reading frame, denoted p.Gly198AspfsX82. This pathogenic variant is predicted to cause loss of normal protein function either through protein truncation or nonsense-mediated mRNA decay. The variant is not observed in large population cohorts (Lek et al., 2016; 1000 Genomes Consortium et al., 2015; Exome Variant Server). Although this pathogenic variant has not been previously reported to our knowledge, its presence is consistent with the diagnosis of hypohydrotic ectodermal dysplasia (HED).

NM_001399.5(EDA):c.593del (p.Gly198fs)

Gene: EDA (ectodysplasin A; plus strand). Cytogenetic location: Xq13.1.
Variant type: Deletion.
Coding change: c.593del on transcript NM_001399.5 (MANE Select); coding-DNA position 593, one base deleted (G; older notation c.593delG).
Protein change: p.Gly198fs; shifts the reading frame from glycine 198.
Molecular consequence: frameshift variant.
Genome position (GRCh38, 1-based): chrX:70,027,923, G deleted; the last of 3 consecutive G bases (chrX:70,027,921-70,027,923); deleting any one gives the same sequence. VCF-style (leftmost placement, unchanged base first): chrX-70027920-AG-A. GRCh37 (hg19) VCF-style: chrX-69247770-AG-A.
Other names: c.593del, p.Gly198fs (NM_001005609.2, NM_001005612.3); short protein forms G198fs.
Identifiers: ClinVar variation 449013 (VCV000449013.2), dbSNP rs1556098553, ClinGen allele CA658659004.
Genomic context (GRCh38, chrX:70,027,920, plus strand): 5'-AGAAAGCAGGACCTCCTGGACCCAATGGCCCTCCAGGACCCCCAGGACCTCCAGGACCCC[AG>A]GGACCCCCAGGAATTCCAGGGATTCCTGGAATTCCAGGAACAACTGTTATGGGACCACCT-3'